The following is an entry in ClinVar:

NM_018684.4(ZC4H2):c.215A>C (p.Asp72Ala)

Gene: ZC4H2 (zinc finger C4H2-type containing; minus strand). Cytogenetic location: Xq11.2.
Variant type: single nucleotide variant.
Coding change: c.215A>C on transcript NM_018684.4 (MANE Select); coding-DNA position 215, A replaced by C.
Protein change: p.Asp72Ala; replaces aspartic acid 72 with alanine.
Molecular consequence: missense variant. On other transcripts: non-coding transcript variant (1).
Genome position (GRCh38, 1-based): chrX:64,921,827, T>G on the plus strand (A>C on the coding strand, the complement: ZC4H2 is on the minus strand). VCF-style: chrX-64921827-T-G. GRCh37 (hg19) VCF-style: chrX-64141707-T-G.
Other names: c.146A>C, p.Asp49Ala (NM_001178032.3, NM_001243804.2); c.215A>C, p.Asp72Ala (NM_001178033.3); short protein forms D49A, D72A.
Identifiers: ClinVar variation 3365434 (VCV003365434.2).

ClinVar aggregate classification (germline): Uncertain significance (1 of 4 stars; one submission).

Submission:

GeneDx
Classification: Uncertain significance. Last evaluated: 2026-09-14. Review status: criteria provided, single submitter. Criteria: GeneDx Variant Classification Process June 2021. Collection method: clinical testing. Allele origin: germline.
Comment: Not observed at significant frequency in large population cohorts (gnomAD); In silico analysis supports that this missense variant has a deleterious effect on protein structure/function; Has not been previously published as pathogenic or benign to our knowledge